The following is an entry in ClinVar:

NM_016239.4(MYO15A):c.10491+2T>C

Gene: MYO15A (myosin XVA; plus strand). Cytogenetic location: 17p11.2.
Variant type: single nucleotide variant.
Coding change: c.10491+2T>C on transcript NM_016239.4 (MANE Select); the canonical splice donor site of the intron after coding-DNA position 10491, T replaced by C.
Molecular consequence: splice donor variant.
Genome position (GRCh38, 1-based): chr17:18,173,923, T>C. VCF-style: chr17-18173923-T-C. GRCh37 (hg19) VCF-style: chr17-18077237-T-C.
Identifiers: ClinVar variation 869467 (VCV000869467.4), dbSNP rs1390498839, ClinGen allele CA398645361.

ClinVar aggregate classification (germline): Likely pathogenic. Review status: criteria provided, multiple submitters, no conflicts (2 of 4 stars). 2 submissions from 2 submitters: Likely pathogenic (2). Last evaluated 2025-09-15.

Conditions:
Monogenic hearing loss.
Autosomal recessive nonsyndromic hearing loss 3. Also called: NEUROSENSORY NONSYNDROMIC RECESSIVE DEAFNESS 3. Identifiers: Orphanet 90636, MedGen C1838263, MONDO:0010860, OMIM 600316.

Allele frequency attached by ClinVar (database versions not stated): gnomAD exomes below 0.00001; TOPMed below 0.00001; gnomAD 0.00001.
gnomAD v4.1: 3 of 1,612,758 alleles (0.00019%); highest among the groups gnomAD compares: African/African-American, 0.0013%; no homozygotes.

Submissions (2):

Genetics Laboratory, Great Ormond Street Hospital NHS Foundation Trust, North Thames Genomic Laboratory Hub
Classification: Likely pathogenic for Monogenic hearing loss. Last evaluated: 2025-09-15. Review status: criteria provided, single submitter. Criteria: ACGS Best Practice Guidelines for Variant Classification in Rare Disease 2024 v1.2. Collection method: clinical testing. Allele origin: germline. Affected: yes.
Comment: PM2_moderate, PVS1_moderate, PM3_moderate

Victorian Clinical Genetics Services, Murdoch Childrens Research Institute
Classification: Likely pathogenic for Autosomal recessive nonsyndromic hearing loss 3. Last evaluated: 2017-11-24. Review status: criteria provided, single submitter. Criteria: ACMG Guidelines, 2015. Collection method: clinical testing. Allele origin: unknown. Affected: yes.
Comment: A heterozygous canonical splice site variant, NM_016239.3(MYO15A):c.10491+2T>C, has been identified in intron 65 of 66 of the MYO15A gene. This nucleotide substitution is predicted to cause aberrant splicing of exon66 in the MYO15A gene and may result in a truncated protein; further testing via RNA studies is required to confirm if splicing is altered. The variant is absent in population databases (gnomAD, dbSNP, 1000G) and has not been previously reported in clinical cases. Additionally, a truncating variant downstream of c.10491+2 in MYO15A has been reported as pathogenic in a family with this condition (ClinVar). Based on the information available at the time of curation, this variant has been classified as LIKELY PATHOGENIC. The presence of these two variants suggestscompound heterozygous mode of inheritance which is consistent with autosomal recessive deafness.NB: This variant has been reclassified to likely pathogenic due to confirmed compound heterozygosity.